The following is an entry in ClinVar:

NM_000051.4(ATM):c.4621T>G (p.Leu1541Val)

Gene: ATM (ATM serine/threonine kinase; plus strand). Cytogenetic location: 11q22.3.
Variant type: single nucleotide variant.
Coding change: c.4621T>G on transcript NM_000051.4 (MANE Select); coding-DNA position 4621, T replaced by G.
Protein change: p.Leu1541Val; replaces leucine 1541 with valine.
Molecular consequence: missense variant.
Genome position (GRCh38, 1-based): chr11:108,293,322, T>G. VCF-style: chr11-108293322-T-G. GRCh37 (hg19) VCF-style: chr11-108164049-T-G.
Other names: c.4621T>G, p.Leu1541Val (NM_001351834.2); short protein forms L1541V.
Identifiers: ClinVar variation 2743122 (VCV002743122.3), dbSNP rs2135809739, ClinGen allele CA382534582.

ClinVar aggregate classification (germline): Uncertain significance (1 of 4 stars; one submission).

Conditions:
Ataxia-telangiectasia syndrome (AT). Also called: AT, COMPLEMENTATION GROUP C; Ataxia-telangiectasia, complementation group D; ATAXIA-TELANGIECTASIA, COMPLEMENTATION GROUP A; ATAXIA-TELANGIECTASIA, FRESNO VARIANT; Ataxia-telangiectasia; Ataxia telangiectasia (A-T). Identifiers: Orphanet 100, MedGen C0004135, MONDO:0008840, OMIM 208900.

Submission:

Labcorp Genetics (formerly Invitae), Labcorp
Classification: Uncertain significance for Ataxia-telangiectasia syndrome. Last evaluated: 2023-07-13. Review status: criteria provided, single submitter. Criteria: Invitae Variant Classification Sherloc (09022015). Collection method: clinical testing. Allele origin: germline.
Comment: This sequence change replaces leucine, which is neutral and non-polar, with valine, which is neutral and non-polar, at codon 1541 of the ATM protein (p.Leu1541Val). This variant is not present in population databases (gnomAD no frequency). This variant has not been reported in the literature in individuals affected with ATM-related conditions. An algorithm developed to predict the effect of missense changes on protein structure and function (PolyPhen-2) suggests that this variant is likely to be tolerated. In summary, the available evidence is currently insufficient to determine the role of this variant in disease. Therefore, it has been classified as a Variant of Uncertain Significance.